The following is an entry in ClinVar:

ClinVar aggregate classification (germline): Uncertain significance. Review status: criteria provided, multiple submitters, no conflicts (2 of 4 stars). 2 submissions from 2 submitters: Uncertain significance (2). Last evaluated 2024-10-21.

Conditions:
Hereditary spastic paraplegia 11. Also called: Spastic Paraplegia 11; Spastic paraplegia, mental retardation and thin corpus callosum; SPASTIC PARAPLEGIA, AUTOSOMAL RECESSIVE, COMPLICATED, WITH THIN CORPUS CALLOSUM; SPASTIC PARAPLEGIA, AUTOSOMAL RECESSIVE, WITH MENTAL IMPAIRMENT AND THIN CORPUS CALLOSUM; Nakamura Osame syndrome; Autosomal recessive hereditary spastic paraplegia, mental impairment, and thin corpus callosum. Identifiers: Orphanet 2822, MedGen C1858479, MONDO:0011445, OMIM 604360.

Submissions (2):

Labcorp Genetics (formerly Invitae), Labcorp
Classification: Uncertain significance for Hereditary spastic paraplegia 11. Last evaluated: 2024-10-21. Review status: criteria provided, single submitter. Criteria: Invitae Variant Classification Sherloc (09022015). Collection method: clinical testing. Allele origin: germline.
Comment: This sequence change replaces serine, which is neutral and polar, with cysteine, which is neutral and slightly polar, at codon 1923 of the SPG11 protein (p.Ser1923Cys). This variant is not present in population databases (gnomAD no frequency). This missense change has been observed in individual(s) with clinical features of hereditary spastic paraplegia (internal data). In at least one individual the data is consistent with being in trans (on the opposite chromosome) from a pathogenic variant. ClinVar contains an entry for this variant (Variation ID: 448468). Invitae Evidence Modeling of protein sequence and biophysical properties (such as structural, functional, and spatial information, amino acid conservation, physicochemical variation, residue mobility, and thermodynamic stability) indicates that this missense variant is not expected to disrupt SPG11 protein function with a negative predictive value of 80%. In summary, the available evidence is currently insufficient to determine the role of this variant in disease. Therefore, it has been classified as a Variant of Uncertain Significance.

Athena Diagnostics
Classification: Uncertain significance. Last evaluated: 2017-07-07. Review status: criteria provided, single submitter. Criteria: Athena Diagnostics Criteria. Collection method: clinical testing. Allele origin: germline.

NM_025137.4(SPG11):c.5767A>T (p.Ser1923Cys)

Gene: SPG11 (SPG11 vesicle trafficking associated, spatacsin; minus strand). Cytogenetic location: 15q21.1.
Variant type: single nucleotide variant.
Coding change: c.5767A>T on transcript NM_025137.4 (MANE Select); coding-DNA position 5767, A replaced by T.
Protein change: p.Ser1923Cys; replaces serine 1923 with cysteine.
Molecular consequence: missense variant.
Genome position (GRCh38, 1-based): chr15:44,583,913, T>A on the plus strand (A>T on the coding strand, the complement: SPG11 is on the minus strand). VCF-style: chr15-44583913-T-A. GRCh37 (hg19) VCF-style: chr15-44876111-T-A.
Other names: c.5767A>T, p.Ser1923Cys (NM_001160227.2); short protein forms S1923C.
Identifiers: ClinVar variation 448468 (VCV000448468.3), dbSNP rs1555448836, ClinGen allele CA392221347.